The following is an entry in ClinVar:

ClinVar aggregate classification (germline): Likely benign. Review status: criteria provided, multiple submitters, no conflicts (2 of 4 stars). 2 submissions from 2 submitters: Likely benign (2). Last evaluated 2025-08-27.

Conditions:
Pontocerebellar hypoplasia type 1A (PCH1A). Also called: PONTOCEREBELLAR HYPOPLASIA WITH ANTERIOR HORN CELL DISEASE; PONTOCEREBELLAR HYPOPLASIA WITH INFANTILE SPINAL MUSCULAR ATROPHY. Identifiers: Orphanet 2254, Orphanet 88616, MedGen C1843504, MONDO:0011866, OMIM 607596.

Allele frequency attached by ClinVar (database versions not stated): gnomAD exomes below 0.00001 and 0.00001; ExAC 0.00001; gnomAD 0.00003; TOPMed 0.00003.
gnomAD v4.1: 9 of 1,613,588 alleles (0.00056%); highest among the groups gnomAD compares: Non-Finnish European, 0.00076%; no homozygotes.

Submissions (2):

Labcorp Genetics (formerly Invitae), Labcorp
Classification: Likely benign for Pontocerebellar hypoplasia type 1A. Last evaluated: 2025-08-27. Review status: criteria provided, single submitter. Criteria: Invitae Variant Classification Sherloc (09022015). Collection method: clinical testing. Allele origin: germline.

GeneDx
Classification: Likely benign. Last evaluated: 2017-09-15. Review status: criteria provided, single submitter. Criteria: GeneDx Variant Classification (06012015). Collection method: clinical testing. Allele origin: germline. Affected: yes.
Comment: This variant is considered likely benign or benign based on one or more of the following criteria: it is a conservative change, it occurs at a poorly conserved position in the protein, it is predicted to be benign by multiple in silico algorithms, and/or has population frequency not consistent with disease.

NM_003384.3(VRK1):c.577-19G>C

Gene: VRK1 (VRK serine/threonine kinase 1; plus strand). Cytogenetic location: 14q32.2.
Variant type: single nucleotide variant.
Coding change: c.577-19G>C on transcript NM_003384.3 (MANE Select); 19 bases into the intron before coding-DNA position 577, G replaced by C.
Molecular consequence: intron variant.
Genome position (GRCh38, 1-based): chr14:96,855,205, G>C. VCF-style: chr14-96855205-G-C. GRCh37 (hg19) VCF-style: chr14-97321542-G-C.
Identifiers: ClinVar variation 512067 (VCV000512067.10), dbSNP rs781055432, ClinGen allele CA7339026.